The following is an entry in ClinVar:

ClinVar aggregate classification (germline): Uncertain significance (1 of 4 stars; one submission).

Conditions:
Atrial septal defect 5 (ASD5). Identifiers: Orphanet 1478, MedGen C2748552, MONDO:0013011, OMIM 612794.
Hypertrophic cardiomyopathy 11. Also called: ACTC1-Related Familial Hypertrophic Cardiomyopathy. Identifiers: MedGen C2677506, MONDO:0012799, OMIM 612098.
Dilated cardiomyopathy 1R (CMD1R). Identifiers: Orphanet 154, Orphanet 54260, MedGen C3150681, MONDO:0013261, OMIM 613424.

Submission:

Labcorp Genetics (formerly Invitae), Labcorp
Classification: Uncertain significance for Dilated cardiomyopathy 1R; Hypertrophic cardiomyopathy 11; Atrial septal defect 5. Last evaluated: 2024-05-27. Review status: criteria provided, single submitter. Criteria: Invitae Variant Classification Sherloc (09022015). Collection method: clinical testing. Allele origin: germline.
Comment: This sequence change replaces valine, which is neutral and non-polar, with isoleucine, which is neutral and non-polar, at codon 300 of the ACTC1 protein (p.Val300Ile). This variant is not present in population databases (gnomAD no frequency). This variant has not been reported in the literature in individuals affected with ACTC1-related conditions. Advanced modeling of protein sequence and biophysical properties (such as structural, functional, and spatial information, amino acid conservation, physicochemical variation, residue mobility, and thermodynamic stability) performed at Invitae indicates that this missense variant is not expected to disrupt ACTC1 protein function with a negative predictive value of 80%. In summary, the available evidence is currently insufficient to determine the role of this variant in disease. Therefore, it has been classified as a Variant of Uncertain Significance.

NM_005159.5(ACTC1):c.898G>A (p.Val300Ile)

Genes: ACTC1 (actin alpha cardiac muscle 1; minus strand), GJD2-DT (GJD2 divergent transcript; plus strand). Cytogenetic location: 15q14.
Variant type: single nucleotide variant.
Coding change: c.898G>A on transcript NM_005159.5 (MANE Select); coding-DNA position 898, G replaced by A.
Protein change: p.Val300Ile; replaces valine 300 with isoleucine.
Molecular consequence: missense variant.
Genome position (GRCh38, 1-based): chr15:34,791,206, C>T on the plus strand (G>A on the coding strand, the complement: ACTC1 is on the minus strand). VCF-style: chr15-34791206-C-T. GRCh37 (hg19) VCF-style: chr15-35083407-C-T.
Other names: c.898G>A, p.Val300Ile (NM_001406482.1, NM_001406483.1); c.763G>A, p.Val255Ile (NM_001406484.1); c.457G>A, p.Val153Ile (NM_001406485.1); short protein forms V153I, V255I, V300I.
Identifiers: ClinVar variation 3752689 (VCV003752689.2).